The following is an entry in ClinVar:

NM_001127222.2(CACNA1A):c.4403C>T (p.Ser1468Leu)

Gene: CACNA1A (calcium voltage-gated channel subunit alpha1 A; minus strand). Cytogenetic location: 19p13.13.
Variant type: single nucleotide variant.
Coding change: c.4403C>T on transcript NM_001127222.2 (MANE Select); coding-DNA position 4403, C replaced by T.
Protein change: p.Ser1468Leu; replaces serine 1468 with leucine.
Molecular consequence: missense variant.
Genome position (GRCh38, 1-based): chr19:13,257,537, G>A on the plus strand (C>T on the coding strand, the complement: CACNA1A is on the minus strand). VCF-style: chr19-13257537-G-A. GRCh37 (hg19) VCF-style: chr19-13368351-G-A.
Other names: c.4415C>T, p.Ser1472Leu (NM_000068.4, NM_023035.3); c.4406C>T, p.Ser1469Leu (NM_001127221.2, NM_001174080.2); short protein forms S1468L, S1469L, S1472L.
Identifiers: ClinVar variation 1204133 (VCV001204133.7), dbSNP rs1211492911, ClinGen allele CA404339147.
Genomic context (GRCh38, chr19:13,257,537, plus strand): 5'-ATGGACATCTCCATGCGGTACCCGGGGCTGGGGCCCTGGTTCTCAAAGGTGGCGTCCACC[G>A]AATGCTTGAGGACCCTGCAAGGAATGGGGCAGGGAGAGGGAAGGGGCAGGAAGGAGAGAG-3'
Protein context (NP_001120694.1, residues 1458-1478): GEGWPQVLKH[Ser1468Leu]VDATFENQGP

ClinVar aggregate classification (germline): Pathogenic. Review status: criteria provided, multiple submitters, no conflicts (2 of 4 stars). 2 submissions from 2 submitters: Pathogenic (2). Last evaluated 2025-12-13.

Conditions:
Episodic ataxia type 2 (EA2). Also called: ACETAZOLAMIDE-RESPONSIVE HEREDITARY PAROXYSMAL CEREBELLAR ATAXIA; EPISODIC ATAXIA, NYSTAGMUS-ASSOCIATED; ATAXIA, EPISODIC, WITH NYSTAGMUS; ATAXIA, FAMILIAL PAROXYSMAL; CEREBELLAR ATAXIA, PAROXYSMAL, ACETAZOLAMIDE-RESPONSIVE; CEREBELLOPATHY, HEREDITARY PAROXYSMAL. Identifiers: Orphanet 97, MedGen C1720416, MONDO:0007163, OMIM 108500.
Developmental and epileptic encephalopathy, 42 (DEE42A). Also called: DEVELOPMENTAL AND EPILEPTIC ENCEPHALOPATHY 42A; EPILEPTIC ENCEPHALOPATHY, EARLY INFANTILE, 42A; Epileptic encephalopathy, early infantile, 42. Identifiers: MedGen C4310716, MONDO:0014917, OMIM 617106.

Allele frequency attached by ClinVar (database versions not stated): gnomAD 0.00001; 1000 Genomes Project 30x 0.00016.

Submissions (2):

GeneDx
Classification: Pathogenic. Last evaluated: 2025-12-13. Review status: criteria provided, single submitter. Criteria: GeneDx Variant Classification Process June 2021. Collection method: clinical testing. Allele origin: germline. Affected: yes.
Comment: Not observed at significant frequency in large population cohorts (gnomAD); In silico analysis supports that this missense variant has a deleterious effect on protein structure/function; This variant is associated with the following publications: (PMID: 34631621, 34263451)

Labcorp Genetics (formerly Invitae), Labcorp
Classification: Pathogenic for Developmental and epileptic encephalopathy, 42; Episodic ataxia type 2. Last evaluated: 2025-05-02. Review status: criteria provided, single submitter. Criteria: Invitae Variant Classification Sherloc (09022015). Collection method: clinical testing. Allele origin: germline.
Comment: This sequence change replaces serine, which is neutral and polar, with leucine, which is neutral and non-polar, at codon 1469 of the CACNA1A protein (p.Ser1469Leu). This variant is present in population databases (no rsID available, gnomAD 0.007%). This missense change has been observed in individual(s) with CACNA1A-related conditions (PMID: 34263451). In at least one individual the variant was observed to be de novo. ClinVar contains an entry for this variant (Variation ID: 1204133). Invitae Evidence Modeling of protein sequence and biophysical properties (such as structural, functional, and spatial information, amino acid conservation, physicochemical variation, residue mobility, and thermodynamic stability) indicates that this missense variant is expected to disrupt CACNA1A protein function with a positive predictive value of 95%. For these reasons, this variant has been classified as Pathogenic.

Literature cited by the submitters: PubMed 34263451 (cited by Labcorp Genetics (formerly Invitae), Labcorp).